The following is an entry in ClinVar:

NM_033198.4(PIGS):c.325C>T (p.Arg109Trp)

Gene: PIGS (phosphatidylinositol glycan anchor biosynthesis class S; minus strand). Cytogenetic location: 17q11.2.
Variant type: single nucleotide variant.
Coding change: c.325C>T on transcript NM_033198.4 (MANE Select); coding-DNA position 325, C replaced by T.
Protein change: p.Arg109Trp; replaces arginine 109 with tryptophan.
Molecular consequence: missense variant.
Genome position (GRCh38, 1-based): chr17:28,563,869, G>A on the plus strand (C>T on the coding strand, the complement: PIGS is on the minus strand). VCF-style: chr17-28563869-G-A. GRCh37 (hg19) VCF-style: chr17-26890887-G-A.
Other names: short protein forms R109W.
Identifiers: ClinVar variation 3907715 (VCV003907715.2).

ClinVar aggregate classification (germline): Uncertain significance (1 of 4 stars; one submission).

Submission:

GeneDx
Classification: Uncertain significance. Last evaluated: 2026-07-08. Review status: criteria provided, single submitter. Criteria: GeneDx Variant Classification Process June 2021. Collection method: clinical testing. Allele origin: germline.
Comment: In silico analysis supports that this missense variant has a deleterious effect on protein structure/function; Has not been previously published as pathogenic or benign to our knowledge